The following is an entry in ClinVar:

ClinVar aggregate classification (germline): Uncertain significance (1 of 4 stars; one submission).

Submission:

Labcorp Genetics (formerly Invitae), Labcorp
Classification: Uncertain significance. Last evaluated: 2022-12-12. Review status: criteria provided, single submitter. Criteria: Invitae Variant Classification Sherloc (09022015). Collection method: clinical testing. Allele origin: germline.
Comment: This sequence change replaces lysine, which is basic and polar, with isoleucine, which is neutral and non-polar, at codon 359 of the GRIA3 protein (p.Lys359Ile). This variant is not present in population databases (gnomAD no frequency). This variant has not been reported in the literature in individuals affected with GRIA3-related conditions. Advanced modeling of protein sequence and biophysical properties (such as structural, functional, and spatial information, amino acid conservation, physicochemical variation, residue mobility, and thermodynamic stability) performed at Invitae indicates that this missense variant is not expected to disrupt GRIA3 protein function. In summary, the available evidence is currently insufficient to determine the role of this variant in disease. Therefore, it has been classified as a Variant of Uncertain Significance.

NM_007325.5(GRIA3):c.1076A>T (p.Lys359Ile)

Gene: GRIA3 (glutamate ionotropic receptor AMPA type subunit 3; plus strand). Cytogenetic location: Xq25.
Variant type: single nucleotide variant.
Coding change: c.1076A>T on transcript NM_007325.5 (MANE Select); coding-DNA position 1076, A replaced by T.
Protein change: p.Lys359Ile; replaces lysine 359 with isoleucine.
Molecular consequence: missense variant.
Genome position (GRCh38, 1-based): chrX:123,398,799, A>T. VCF-style: chrX-123398799-A-T. GRCh37 (hg19) VCF-style: chrX-122532650-A-T.
Other names: c.1076A>T, p.Lys359Ile (NM_000828.5); short protein forms K359I.
Identifiers: ClinVar variation 2814324 (VCV002814324.3), dbSNP rs2521156673, ClinGen allele CA414258344.